The following is an entry in ClinVar:

ClinVar aggregate classification (germline): Pathogenic (1 of 4 stars; one submission).

Conditions:
Retinal dystrophy. Also called: Inherited retinal dystrophy. Identifiers: Orphanet 71862, MedGen C0854723, MeSH D058499, MONDO:0019118, HP:0000556.

Submission:

Ophthalmic Genetics Group, Institute of Molecular and Clinical Ophthalmology Basel
Classification: Pathogenic for Retinal dystrophy. Last evaluated: 2024-05-27. Review status: criteria provided, single submitter. Criteria: ACMG Guidelines, 2015. Collection method: research. Allele origin: germline. Affected: yes. Observed: 6 variant alleles.
Comment: This variant was classified as Pathogenic based on ACMG criteria: PS3_strong, PM2_mod, PP1_strong and PP3_strong

Literature cited by the submitters: PubMed 40180963.

NM_001378477.3(NYX):c.22+5G>T

Gene: NYX (nyctalopin; plus strand). Cytogenetic location: Xp11.4.
Variant type: single nucleotide variant.
Coding change: c.22+5G>T on transcript NM_001378477.3 (MANE Select); 5 bases into the intron after coding-DNA position 22, G replaced by T.
Molecular consequence: intron variant.
Genome position (GRCh38, 1-based): chrX:41,447,931, G>T. VCF-style: chrX-41447931-G-T. GRCh37 (hg19) VCF-style: chrX-41307184-G-T.
Other names: NC_000023.10:g.41307184G>T; NP_001365406.2:p.?; c.22+5G>T (NM_022567.3).
Identifiers: ClinVar variation 3381812 (VCV003381812.2).